The following is an entry in ClinVar:

NM_198253.3(TERT):c.3122C>G (p.Ser1041Cys)

Gene: TERT (telomerase reverse transcriptase; minus strand). Cytogenetic location: 5p15.33.
Variant type: single nucleotide variant.
Coding change: c.3122C>G on transcript NM_198253.3 (MANE Select); coding-DNA position 3122, C replaced by G.
Protein change: p.Ser1041Cys; replaces serine 1041 with cysteine.
Molecular consequence: missense variant. On other transcripts: non-coding transcript variant (2).
Genome position (GRCh38, 1-based): chr5:1,255,322, G>C on the plus strand (C>G on the coding strand, the complement: TERT is on the minus strand). VCF-style: chr5-1255322-G-C. GRCh37 (hg19) VCF-style: chr5-1255437-G-C.
Other names: c.2933C>G, p.Ser978Cys (NM_001193376.3); c.3122C>G, p.Ser1041Cys (NM_003219.1); short protein forms S978C, S1041C.
Identifiers: ClinVar variation 2942106 (VCV002942106.3), dbSNP rs2126562513, ClinGen allele CA359068108.

ClinVar aggregate classification (germline): Uncertain significance (1 of 4 stars; one submission).

Conditions:
Dyskeratosis congenita, autosomal dominant 2. Identifiers: MedGen C3151443, MONDO:0013521, OMIM 613989.
Idiopathic Pulmonary Fibrosis. Also called: Idiopathic fibrosing alveolitis, chronic form; idiopathic fibrosing alveolitis. Identifiers: Orphanet 2032, MedGen C1800706, MeSH D054990, MONDO:0800504.

Submission:

Labcorp Genetics (formerly Invitae), Labcorp
Classification: Uncertain significance for Dyskeratosis congenita, autosomal dominant 2; Idiopathic Pulmonary Fibrosis. Last evaluated: 2022-12-08. Review status: criteria provided, single submitter. Criteria: Invitae Variant Classification Sherloc (09022015). Collection method: clinical testing. Allele origin: germline.
Comment: This variant is not present in population databases (gnomAD no frequency). In summary, the available evidence is currently insufficient to determine the role of this variant in disease. Therefore, it has been classified as a Variant of Uncertain Significance. Advanced modeling of protein sequence and biophysical properties (such as structural, functional, and spatial information, amino acid conservation, physicochemical variation, residue mobility, and thermodynamic stability) performed at Invitae indicates that this missense variant is expected to disrupt TERT protein function. This variant has not been reported in the literature in individuals affected with TERT-related conditions. This sequence change replaces serine, which is neutral and polar, with cysteine, which is neutral and slightly polar, at codon 1041 of the TERT protein (p.Ser1041Cys).